The following is an entry in ClinVar:

ClinVar aggregate classification (germline): Uncertain significance (1 of 4 stars; one submission).

Conditions:
Neuropathy, hereditary sensory, type 2C. Also called: KIF1A-Related HSAN2 (HSAN2C); Hereditary sensory and autonomic neuropathy type IIC. Identifiers: Orphanet 970, MedGen C3280168, MONDO:0013634, OMIM 614213.
Hereditary spastic paraplegia 30. Identifiers: Orphanet 101010, MedGen C5235139, MONDO:0012476.
Intellectual disability, autosomal dominant 9 (NESCAVS). Also called: KIF1A-Related Neurodevelopmental Disorder; NESCAV SYNDROME. Identifiers: Orphanet 662367, MedGen C5393830, MONDO:0013656, OMIM 614255.

Submission:

Labcorp Genetics (formerly Invitae), Labcorp
Classification: Uncertain significance for Hereditary spastic paraplegia 30; Neuropathy, hereditary sensory, type 2C; Intellectual disability, autosomal dominant 9. Last evaluated: 2025-10-13. Review status: criteria provided, single submitter. Criteria: Invitae Variant Classification Sherloc (09022015). Collection method: clinical testing. Allele origin: germline.
Comment: This sequence change replaces leucine, which is neutral and non-polar, with proline, which is neutral and non-polar, at codon 285 of the KIF1A protein (p.Leu285Pro). This variant is not present in population databases (gnomAD no frequency). This variant has not been reported in the literature in individuals affected with KIF1A-related conditions. Invitae Evidence Modeling of protein sequence and biophysical properties (such as structural, functional, and spatial information, amino acid conservation, physicochemical variation, residue mobility, and thermodynamic stability) indicates that this missense variant is expected to disrupt KIF1A protein function with a positive predictive value of 95%. In summary, the available evidence is currently insufficient to determine the role of this variant in disease. Therefore, it has been classified as a Variant of Uncertain Significance.

NM_001244008.2(KIF1A):c.854T>C (p.Leu285Pro)

Gene: KIF1A (kinesin family member 1A; minus strand). Cytogenetic location: 2q37.3.
Variant type: single nucleotide variant.
Coding change: c.854T>C on transcript NM_001244008.2 (MANE Select); coding-DNA position 854, T replaced by C.
Protein change: p.Leu285Pro; replaces leucine 285 with proline.
Molecular consequence: missense variant.
Genome position (GRCh38, 1-based): chr2:240,783,054, A>G on the plus strand (T>C on the coding strand, the complement: KIF1A is on the minus strand). VCF-style: chr2-240783054-A-G. GRCh37 (hg19) VCF-style: chr2-241722471-A-G.
Other names: c.854T>C, p.Leu285Pro (NM_001320705.2, NM_001330289.2, NM_001330290.2 and 20 more transcripts); short protein forms L285P.
Identifiers: ClinVar variation 4789384 (VCV004789384.1).